The following is an entry in ClinVar:

ClinVar aggregate classification (germline): Pathogenic. Review status: criteria provided, multiple submitters, no conflicts (2 of 4 stars). 2 submissions from 2 submitters: Pathogenic (2). Last evaluated 2024-12-12.

Conditions:
Tuberous sclerosis syndrome (TSC). Also called: Tuberous sclerosis; Tuberous Sclerosis Complex. Identifiers: Orphanet 805, MedGen C0041341, MONDO:0001734.
Tuberous sclerosis 2 (TSC2). Identifiers: Orphanet 805, MedGen C1860707, MONDO:0013199, OMIM 613254.

Submissions (2):

Cambridge Genomics Laboratory, East Genomic Laboratory Hub, NHS Genomic Medicine Service
Classification: Pathogenic for Tuberous sclerosis. Last evaluated: 2024-12-12. Review status: criteria provided, single submitter. Criteria: ACGS Best Practice Guidelines for Variant Classification in Rare Disease 2020. Collection method: clinical testing. Allele origin: germline. Affected: yes.
Comment: PVS1,PS2,PM2,PP4

Division of Genomic Medicine, Department of Advanced Medicine, Medical Research Institute, Kanazawa Medical University
Classification: Pathogenic for Tuberous sclerosis 2. Last evaluated: 2022-07-19. Review status: criteria provided, single submitter. Criteria: ACMG Guidelines, 2015. Collection method: clinical testing. Allele origin: germline. Affected: yes. Observed: 1 variant allele.

NM_000548.5(TSC2):c.1327C>T (p.Gln443Ter)

Gene: TSC2 (TSC complex subunit 2; plus strand). Cytogenetic location: 16p13.3.
Variant type: single nucleotide variant.
Coding change: c.1327C>T on transcript NM_000548.5 (MANE Select); coding-DNA position 1327, C replaced by T.
Protein change: p.Gln443Ter; replaces glutamine 443 with a stop codon.
Molecular consequence: nonsense.
Genome position (GRCh38, 1-based): chr16:2,062,566, C>T. VCF-style: chr16-2062566-C-T. GRCh37 (hg19) VCF-style: chr16-2112567-C-T.
Other names: c.1327C>T, p.Gln443Ter (NM_001077183.3, NM_001114382.3, NM_001363528.2 and 3 more transcripts); c.1216C>T, p.Gln406Ter (NM_001318827.2); c.1180C>T, p.Gln394Ter (NM_001318829.2); c.727C>T, p.Gln243Ter (NM_001318831.2); c.1360C>T, p.Gln454Ter (NM_001318832.2); short protein forms Q243*, Q394*, Q406*, Q443*, Q454*.
Identifiers: ClinVar variation 1696844 (VCV001696844.2), dbSNP rs2151164702, ClinGen allele CA394322417.